The following is an entry in ClinVar:

NM_000548.5(TSC2):c.3224C>A (p.Thr1075Asn)

Gene: TSC2 (TSC complex subunit 2; plus strand). Cytogenetic location: 16p13.3.
Variant type: single nucleotide variant.
Coding change: c.3224C>A on transcript NM_000548.5 (MANE Select); coding-DNA position 3224, C replaced by A.
Protein change: p.Thr1075Asn; replaces threonine 1075 with asparagine.
Molecular consequence: missense variant.
Genome position (GRCh38, 1-based): chr16:2,079,368, C>A. VCF-style: chr16-2079368-C-A. GRCh37 (hg19) VCF-style: chr16-2129369-C-A.
Other names: c.3092C>A, p.Thr1031Asn (NM_001077183.3, NM_001370404.1); c.3224C>A, p.Thr1075Asn (NM_001114382.3); c.2984C>A, p.Thr995Asn (NM_001318827.2); c.2948C>A, p.Thr983Asn (NM_001318829.2); c.2492C>A, p.Thr831Asn (NM_001318831.2); c.3125C>A, p.Thr1042Asn (NM_001318832.2); c.3095C>A, p.Thr1032Asn (NM_001363528.2, NM_001370405.1, NM_021055.3); short protein forms T1032N, T1042N, T995N, T831N, T983N, T1031N, T1075N.
Identifiers: ClinVar variation 954021 (VCV000954021.9), dbSNP rs397515024, ClinGen allele CA394285972.
Genomic context (GRCh38, chr16:2,079,368, plus strand): 5'-GCAGGACCAAAACCTGGCTGGTTGGGAACAAGCTTGTCACTGTGACGACAAGCGTGGGAA[C>A]CGGGACCCGGTCGTTACTAGGCCTGGACTCGGGGGAGCTGCAGTCCGGCCCGGAGTCGAG-3'
Protein context (NP_000539.2, residues 1065-1085): KLVTVTTSVG[Thr1075Asn]GTRSLLGLDS

ClinVar aggregate classification (germline): Uncertain significance (1 of 4 stars; one submission).

Conditions:
Tuberous sclerosis 2 (TSC2). Identifiers: Orphanet 805, MedGen C1860707, MONDO:0013199, OMIM 613254.

Submission:

Labcorp Genetics (formerly Invitae), Labcorp
Classification: Uncertain significance for Tuberous sclerosis 2. Last evaluated: 2019-10-01. Review status: criteria provided, single submitter. Criteria: Invitae Variant Classification Sherloc (09022015). Collection method: clinical testing. Allele origin: germline.
Comment: This variant has not been reported in the literature in individuals with TSC2-related conditions. In summary, the available evidence is currently insufficient to determine the role of this variant in disease. Therefore, it has been classified as a Variant of Uncertain Significance. Algorithms developed to predict the effect of missense changes on protein structure and function (SIFT, PolyPhen-2, Align-GVGD) all suggest that this variant is likely to be tolerated, but these predictions have not been confirmed by published functional studies and their clinical significance is uncertain. This variant is not present in population databases (ExAC no frequency). This sequence change replaces threonine with asparagine at codon 1075 of the TSC2 protein (p.Thr1075Asn). The threonine residue is moderately conserved and there is a small physicochemical difference between threonine and asparagine.